The following is an entry in ClinVar:

ClinVar aggregate classification (germline): Uncertain significance. Review status: criteria provided, multiple submitters, no conflicts (2 of 4 stars). 2 submissions from 2 submitters: Uncertain significance (2). Last evaluated 2025-09-14.

Conditions:
Inborn genetic diseases. Identifiers: MedGen C0950123, MeSH D030342.

gnomAD v4.1: 8 of 1,587,692 alleles (0.0005%); highest among the groups gnomAD compares: African/African-American, 0.008%; no homozygotes.

Submissions (2):

Ambry Genetics
Classification: Uncertain significance for Inborn genetic diseases. Last evaluated: 2025-09-14. Review status: criteria provided, single submitter. Criteria: Ambry Variant Classification Scheme 2023. Collection method: clinical testing. Allele origin: germline.
Comment: The p.N32K variant (also known as c.96T>G), located in coding exon 1 of the MBD4 gene, results from a T to G substitution at nucleotide position 96. The asparagine at codon 32 is replaced by lysine, an amino acid with similar properties. This amino acid position is conserved. In addition, this alteration is predicted to be tolerated by in silico analysis. Based on the available evidence, the clinical significance of this variant remains unclear.

Labcorp Genetics (formerly Invitae), Labcorp
Classification: Uncertain significance. Last evaluated: 2025-09-06. Review status: criteria provided, single submitter. Criteria: Invitae Variant Classification Sherloc (09022015). Collection method: clinical testing. Allele origin: germline.
Comment: This sequence change replaces asparagine, which is neutral and polar, with lysine, which is basic and polar, at codon 32 of the MBD4 protein (p.Asn32Lys). This variant is present in population databases (no rsID available, gnomAD 0.01%). This variant has not been reported in the literature in individuals affected with MBD4-related conditions. An algorithm developed to predict the effect of missense changes on protein structure and function (PolyPhen-2) suggests that this variant is likely to be tolerated. In summary, the available evidence is currently insufficient to determine the role of this variant in disease. Therefore, it has been classified as a Variant of Uncertain Significance.

NM_001276270.2(MBD4):c.96T>G (p.Asn32Lys)

Gene: MBD4 (methyl-CpG binding domain 4, DNA glycosylase; minus strand). Cytogenetic location: 3q21.3.
Variant type: single nucleotide variant.
Coding change: c.96T>G on transcript NM_001276270.2 (MANE Select); coding-DNA position 96, T replaced by G.
Protein change: p.Asn32Lys; replaces asparagine 32 with lysine.
Molecular consequence: missense variant.
Genome position (GRCh38, 1-based): chr3:129,439,738, A>C on the plus strand (T>G on the coding strand, the complement: MBD4 is on the minus strand). VCF-style: chr3-129439738-A-C. GRCh37 (hg19) VCF-style: chr3-129158581-A-C.
Other names: c.96T>G, p.Asn32Lys (NM_001276271.2, NM_001276272.2, NM_001276273.2 and 1 more transcripts); short protein forms N32K.
Identifiers: ClinVar variation 4104683 (VCV004104683.2).